The following is an entry in ClinVar:

NM_007078.3(LDB3):c.389_390insCAGGCACCC (p.Pro130_Gly131insArgHisPro)

Gene: LDB3 (LIM domain binding 3; plus strand). Cytogenetic location: 10q23.2.
Variant type: Microsatellite.
Coding change: c.389_390insCAGGCACCC on transcript NM_007078.3 (MANE Select); coding-DNA positions 389 to 390, CAGGCACCC inserted.
Protein change: p.Pro130_Gly131insArgHisPro.
Molecular consequence: inframe insertion. On other transcripts: intron variant (5).
Genome position: GRCh38 VCF-style: chr10-86681500-G-GCCCCAGGCA. GRCh37 (hg19) VCF-style: chr10-88441257-G-GCCCCAGGCA.
Other names: c.389_390insCAGGCACCC, p.Pro130_Gly131insArgHisPro (NM_001080115.2, NM_001171610.2, NM_001171611.2 and 3 more transcripts); c.321+1346_321+1347insCAGGCACCC (NM_001368068.1, NM_001368066.1, NM_001080114.2 and 2 more transcripts).
Identifiers: ClinVar variation 2500053 (VCV002500053.2), dbSNP rs2492590297.
Genomic context (GRCh38, chr10:86,681,500, plus strand): 5'-CCGCTCTGGACACGAACGGCAGCCTGGTGGCACCCAGCCCCAGCCCTGAGGCGAGGGCCA[G>GCCCCAGGCA]CCCAGGCACCCCAGGCACCCCGGAGCTCAGGCCCACCTTTAGCCCTGCCTTCTCCCGGCC-3'

ClinVar aggregate classification (germline): Uncertain significance (1 of 4 stars; one submission).

Conditions:
Dilated cardiomyopathy 1C (CMD1C). Also called: CARDIOMYOPATHY, DILATED, 1C, WITH OR WITHOUT LEFT VENTRICULAR NONCOMPACTION; Cardiomyopathy, dilated, 1C, with or without LVNC. Identifiers: Orphanet 154, Orphanet 54260, MedGen C1832244, MONDO:0011094, OMIM 601493.
Myofibrillar myopathy 4. Also called: Zaspopathy (type). Identifiers: Orphanet 98912, MedGen C4721886, MONDO:0012277, OMIM 609452.

Submission:

Center for Genomics, Ann and Robert H. Lurie Children's Hospital of Chicago
Classification: Uncertain significance for Dilated cardiomyopathy 1C; Myofibrillar myopathy 4. Review status: criteria provided, single submitter. Criteria: ACMG Guidelines, 2015. Collection method: clinical testing. Allele origin: germline.
Comment: LDB3 NM_007078.2 exon 4 p.Pro130_Gly131insArgHisPro (c.387_388insCCCAGGCAC): This variant has not been reported in the literature and data from large control databases is insufficient for this variant. Evolutionary conservation and computational predictive tools for this variant are limited or unavailable. This variant represents an in-frame insertion of 3 amino acids at position 130 and is not predicted to alter the reading frame. However, the effect of this variant on the protein is unclear. In summary, data on this variant is insufficient for disease classification. Therefore, the clinical significance of this variant is uncertain.